The following is an entry in ClinVar:

NM_001458.5(FLNC):c.3618C>A (p.Asn1206Lys)

Gene: FLNC (filamin C; plus strand). Cytogenetic location: 7q32.1.
Variant type: single nucleotide variant.
Coding change: c.3618C>A on transcript NM_001458.5 (MANE Select); coding-DNA position 3618, C replaced by A.
Protein change: p.Asn1206Lys; replaces asparagine 1206 with lysine.
Molecular consequence: missense variant.
Genome position (GRCh38, 1-based): chr7:128,845,083, C>A. VCF-style: chr7-128845083-C-A. GRCh37 (hg19) VCF-style: chr7-128485137-C-A.
Other names: c.3618C>A, p.Asn1206Lys (NM_001127487.2); short protein forms N1206K.
Identifiers: ClinVar variation 1460786 (VCV001460786.8), dbSNP rs1039623010, ClinGen allele CA369197382.
Genomic context (GRCh38, chr7:128,845,083, plus strand): 5'-GGAGCTGACCATTGAGATCCTGTCGGATGCCGGGGTCAAGGCCGAGGTGCTGATCCACAA[C>A]AACGCGGATGGCACCTACCACATCACCTACAGCCCTGCCTTCCCTGGCACCTACACCATT-3'
Protein context (NP_001449.3, residues 1196-1216): AGVKAEVLIH[Asn1206Lys]NADGTYHITY

ClinVar aggregate classification (germline): Uncertain significance (1 of 4 stars; one submission).

Conditions:
Myofibrillar myopathy 5. Also called: Filaminopathy (type); FILAMINOPATHY, AUTOSOMAL DOMINANT. Identifiers: Orphanet 171445, MedGen C1836050, MONDO:0012289, OMIM 609524.
Distal myopathy with posterior leg and anterior hand involvement. Also called: WILLIAMS DISTAL MYOPATHY. Identifiers: Orphanet 63273, MedGen C3279722, MONDO:0013550, OMIM 614065.
Hypertrophic cardiomyopathy 26. Also called: Cardiomyopathy, familial hypertrophic, 26. Identifiers: Orphanet 75249, MedGen C4310749, MONDO:0014883, OMIM 617047.

Submission:

Labcorp Genetics (formerly Invitae), Labcorp
Classification: Uncertain significance for Distal myopathy with posterior leg and anterior hand involvement; Myofibrillar myopathy 5; Hypertrophic cardiomyopathy 26. Last evaluated: 2020-12-18. Review status: criteria provided, single submitter. Criteria: Invitae Variant Classification Sherloc (09022015). Collection method: clinical testing. Allele origin: germline.
Comment: In summary, the available evidence is currently insufficient to determine the role of this variant in disease. Therefore, it has been classified as a Variant of Uncertain Significance. Algorithms developed to predict the effect of missense changes on protein structure and function (SIFT, PolyPhen-2, Align-GVGD) all suggest that this variant is likely to be tolerated, but these predictions have not been confirmed by published functional studies and their clinical significance is uncertain. This variant has not been reported in the literature in individuals with FLNC-related conditions. This variant is not present in population databases (ExAC no frequency). This sequence change replaces asparagine with lysine at codon 1206 of the FLNC protein (p.Asn1206Lys). The asparagine residue is moderately conserved and there is a moderate physicochemical difference between asparagine and lysine.